The following is an entry in ClinVar:

ClinVar aggregate classification (germline): Uncertain significance (1 of 4 stars; one submission).

Conditions:
Ehlers-Danlos syndrome, kyphoscoliotic type 1 (EDSKSCL1). Also called: Ehlers-Danlos syndrome, hydroxylysine-deficient; EHLERS-DANLOS SYNDROME, TYPE VIA; EHLERS-DANLOS SYNDROME, OCULAR-SCOLIOTIC TYPE; PLOD1-Related Kyphoscoliotic Ehlers-Danlos Syndrome. Identifiers: Orphanet 1900, MedGen C0268342, MONDO:0016002, OMIM 225400. Disease mechanism: loss of function.

gnomAD v4.1: 1 of 1,613,970 alleles (0.000062%); highest among the groups gnomAD compares: Admixed American, 0.0017%; no homozygotes.

Submission:

Labcorp Genetics (formerly Invitae), Labcorp
Classification: Uncertain significance for Ehlers-Danlos syndrome, kyphoscoliotic type 1. Last evaluated: 2021-12-29. Review status: criteria provided, single submitter. Criteria: Invitae Variant Classification Sherloc (09022015). Collection method: clinical testing. Allele origin: germline.
Comment: This sequence change replaces aspartic acid, which is acidic and polar, with glutamic acid, which is acidic and polar, at codon 726 of the PLOD1 protein (p.Asp726Glu). This variant is not present in population databases (gnomAD no frequency). This variant has not been reported in the literature in individuals affected with PLOD1-related conditions. Algorithms developed to predict the effect of missense changes on protein structure and function are either unavailable or do not agree on the potential impact of this missense change (SIFT: "Deleterious"; PolyPhen-2: "Probably Damaging"; Align-GVGD: "Class C0"). In summary, the available evidence is currently insufficient to determine the role of this variant in disease. Therefore, it has been classified as a Variant of Uncertain Significance.

NM_000302.4(PLOD1):c.2178T>A (p.Asp726Glu)

Gene: PLOD1 (procollagen-lysine,2-oxoglutarate 5-dioxygenase 1; plus strand). Cytogenetic location: 1p36.22.
Variant type: single nucleotide variant.
Coding change: c.2178T>A on transcript NM_000302.4 (MANE Select); coding-DNA position 2178, T replaced by A.
Protein change: p.Asp726Glu; replaces aspartic acid 726 with glutamic acid.
Molecular consequence: missense variant.
Genome position (GRCh38, 1-based): chr1:11,974,802, T>A. VCF-style: chr1-11974802-T-A. GRCh37 (hg19) VCF-style: chr1-12034859-T-A.
Other names: c.2319T>A, p.Asp773Glu (NM_001316320.2); short protein forms D726E, D773E.
Identifiers: ClinVar variation 2162270 (VCV002162270.1), dbSNP rs951107031, ClinGen allele CA338454171.